The following is an entry in ClinVar:

ClinVar aggregate classification (germline): Likely benign. Review status: criteria provided, multiple submitters, no conflicts (2 of 4 stars). 2 submissions from 2 submitters: Likely benign (2). Last evaluated 2025-03-05.

Allele frequency attached by ClinVar (database versions not stated): TOPMed 0.00002.
gnomAD v4.1: 22 of 1,524,480 alleles (0.0014%); highest among the groups gnomAD compares: Admixed American, 0.0021%; no homozygotes.

Submissions (2):

Labcorp Genetics (formerly Invitae), Labcorp
Classification: Likely benign. Last evaluated: 2025-03-05. Review status: criteria provided, single submitter. Criteria: Invitae Variant Classification Sherloc (09022015). Collection method: clinical testing. Allele origin: germline.

CeGaT Center for Human Genetics Tuebingen
Classification: Likely benign. Last evaluated: 2023-03-01. Review status: criteria provided, single submitter. Criteria: CeGaT Center For Human Genetics Tuebingen Variant Classification Criteria Version 2. Collection method: clinical testing. Allele origin: germline. Affected: yes. Observed: 1 variant allele.
Comment: APC2: BP4, BP7

NM_005883.3(APC2):c.2197C>A (p.Arg733=)

Gene: APC2 (APC regulator of Wnt signaling pathway 2; plus strand). Cytogenetic location: 19p13.3.
Variant type: single nucleotide variant.
Coding change: c.2197C>A on transcript NM_005883.3 (MANE Select); coding-DNA position 2197, C replaced by A.
Protein change: p.Arg733=; no amino-acid change (arginine 733 retained).
Molecular consequence: synonymous variant.
Genome position (GRCh38, 1-based): chr19:1,465,498, C>A. VCF-style: chr19-1465498-C-A. GRCh37 (hg19) VCF-style: chr19-1465497-C-A.
Other names: c.2194C>A, p.Arg732= (NM_001351273.1).
Identifiers: ClinVar variation 2648925 (VCV002648925.25), dbSNP rs745335568, ClinGen allele CA9045398.